The following is an entry in ClinVar:

NM_004944.4(DNASE1L3):c.800A>G (p.Glu267Gly)

Gene: DNASE1L3 (deoxyribonuclease 1L3; minus strand). Cytogenetic location: 3p14.3.
Variant type: single nucleotide variant.
Coding change: c.800A>G on transcript NM_004944.4 (MANE Select); coding-DNA position 800, A replaced by G.
Protein change: p.Glu267Gly; replaces glutamic acid 267 with glycine.
Molecular consequence: missense variant.
Genome position (GRCh38, 1-based): chr3:58,193,344, T>C on the plus strand (A>G on the coding strand, the complement: DNASE1L3 is on the minus strand). VCF-style: chr3-58193344-T-C. GRCh37 (hg19) VCF-style: chr3-58179071-T-C.
Other names: c.710A>G, p.Glu237Gly (NM_001256560.2); short protein forms E237G, E267G.
Identifiers: ClinVar variation 1481549 (VCV001481549.6), dbSNP rs2107365778, ClinGen allele CA353337626.

ClinVar aggregate classification (germline): Uncertain significance (1 of 4 stars; one submission).

Submission:

Labcorp Genetics (formerly Invitae), Labcorp
Classification: Uncertain significance. Last evaluated: 2021-11-04. Review status: criteria provided, single submitter. Criteria: Invitae Variant Classification Sherloc (09022015). Collection method: clinical testing. Allele origin: germline.
Comment: This sequence change replaces glutamic acid, which is acidic and polar, with glycine, which is neutral and non-polar, at codon 267 of the DNASE1L3 protein (p.Glu267Gly). This variant is not present in population databases (gnomAD no frequency). This variant has not been reported in the literature in individuals affected with DNASE1L3-related conditions. Algorithms developed to predict the effect of missense changes on protein structure and function are either unavailable or do not agree on the potential impact of this missense change (SIFT: "Deleterious"; PolyPhen-2: "Benign"; Align-GVGD: "Class C15"). Algorithms developed to predict the effect of sequence changes on RNA splicing suggest that this variant may disrupt the consensus splice site. In summary, the available evidence is currently insufficient to determine the role of this variant in disease. Therefore, it has been classified as a Variant of Uncertain Significance.